The following is an entry in ClinVar:

NM_173354.5(SIK1):c.1532_1534del (p.Phe511del)

Gene: SIK1 (salt inducible kinase 1; minus strand). Cytogenetic location: 21q22.3.
Variant type: Deletion.
Coding change: c.1532_1534del on transcript NM_173354.5 (MANE Select); coding-DNA positions 1532 to 1534, 3 bases deleted (TCT; older notation c.1532_1534delTCT).
Protein change: p.Phe511del; deletes phenylalanine 511.
Molecular consequence: inframe deletion.
Genome position (GRCh38, 1-based): chr21:43,418,470-43,418,472, AGA deleted on the plus strand (TCT on the coding strand, the reverse complement: SIK1 is on the minus strand); deleting any 3 consecutive bases within chr21:43,418,470-43,418,474 gives the same sequence; the c. name uses the placement nearest the transcript's 3' end. VCF-style (leftmost placement, unchanged base first): chr21-43418469-GAGA-G. GRCh37 (hg19) VCF-style: chr21-44838349-GAGA-G.
Other names: short protein forms F511del.
Identifiers: ClinVar variation 1311702 (VCV001311702.7), dbSNP rs766669273, ClinGen allele CA321325477.

ClinVar aggregate classification (germline): Uncertain significance. Review status: criteria provided, multiple submitters, no conflicts (2 of 4 stars). 2 submissions from 2 submitters: Uncertain significance (2). Last evaluated 2025-09-27.

Conditions:
Developmental and epileptic encephalopathy, 30 (DEE30). Also called: Epileptic encephalopathy, early infantile, 30. Identifiers: MedGen C4225360, MONDO:0014595, OMIM 616341.

Submissions (2):

Labcorp Genetics (formerly Invitae), Labcorp
Classification: Uncertain significance for Developmental and epileptic encephalopathy, 30. Last evaluated: 2025-09-27. Review status: criteria provided, single submitter. Criteria: Invitae Variant Classification Sherloc (09022015). Collection method: clinical testing. Allele origin: germline.
Comment: This variant, c.1532_1534del, results in the deletion of 1 amino acid(s) of the SIK1 protein (p.Phe511del), but otherwise preserves the integrity of the reading frame. This variant is present in population databases (rs766669273, gnomAD 0.002%). This variant has not been reported in the literature in individuals affected with SIK1-related conditions. ClinVar contains an entry for this variant (Variation ID: 1311702). Experimental studies and prediction algorithms are not available or were not evaluated, and the functional significance of this variant is currently unknown. In summary, the available evidence is currently insufficient to determine the role of this variant in disease. Therefore, it has been classified as a Variant of Uncertain Significance.

GeneDx
Classification: Uncertain significance. Last evaluated: 2021-01-22. Review status: criteria provided, single submitter. Criteria: GeneDx Variant Classification Process June 2021. Collection method: clinical testing. Allele origin: germline. Affected: yes.
Comment: In-frame deletion of 1 amino acid in a non-repeat region; In silico analysis, which includes protein predictors and evolutionary conservation, supports that this variant does not alter protein structure/function; Has not been previously published as pathogenic or benign to our knowledge